The following is an entry in ClinVar:

ClinVar aggregate classification (germline): Conflicting classifications of pathogenicity. Review status: criteria provided, conflicting classifications (1 of 4 stars). 6 submissions from 6 submitters: Uncertain significance (1); Likely benign (4). 1 of the submissions does not count toward it. Last evaluated 2026-03-17.

Conditions:
MYO15A-related disorder. Also called: MYO15A-related condition.
Inborn genetic diseases. Identifiers: MedGen C0950123, MeSH D030342.

Allele frequency attached by ClinVar (database versions not stated): gnomAD exomes 0.00019; ExAC 0.00036; 1000 Genomes Project 0.00060; 1000 Genomes Project 30x 0.00062; ESP Exome Variant Server 0.00086; TOPMed 0.00097; gnomAD 0.00098 and 0.00112.
gnomAD v4.1: 276 of 1,512,970 alleles (0.018%); highest among the groups gnomAD compares: African/African-American, 0.33%; 2 homozygotes.

Submissions (6):

Women's Health and Genetics/Laboratory Corporation of America, LabCorp
Classification: Likely benign. Last evaluated: 2026-03-17. Review status: criteria provided, single submitter. Criteria: LabCorp Variant Classification Summary - May 2015. Collection method: clinical testing. Allele origin: germline.
Comment: Variant summary: MYO15A c.2354G>T (p.Gly785Val) results in a non-conservative amino acid change in the encoded protein sequence. Algorithms developed to predict the effect of missense changes on protein structure and function are either unavailable or do not agree on the potential impact of this missense change. The variant allele was found at a frequency of 0.00019 in 117954 control chromosomes, predominantly at a frequency of 0.0037 within the African or African-American subpopulation in the gnomAD database. The observed variant frequency within African or African-American control individuals in the gnomAD database exceeds the estimated maximal expected allele frequency for disease-causing variants in MYO15A. To our knowledge, no occurrence of c.2354G>T in individuals affected with MYO15A-related conditions and no experimental evidence demonstrating its impact on protein function have been reported. ClinVar contains an entry for this variant (Variation ID: 1194151). Based on the evidence outlined above, the variant was classified as likely benign.

Labcorp Genetics (formerly Invitae), Labcorp
Classification: Likely benign. Last evaluated: 2026-01-28. Review status: criteria provided, single submitter. Criteria: Invitae Variant Classification Sherloc (09022015). Collection method: clinical testing. Allele origin: germline.

Blueprint Genetics
Classification: Likely benign. Last evaluated: 2024-10-18. Review status: criteria provided, single submitter. Criteria: ACMG Guidelines, 2015. Collection method: clinical testing. Allele origin: germline.

Ambry Genetics
Classification: Uncertain significance for Inborn genetic diseases. Last evaluated: 2021-09-27. Review status: criteria provided, single submitter. Criteria: Ambry Variant Classification Scheme 2023. Collection method: clinical testing. Allele origin: germline.

GeneDx
Classification: Likely benign. Last evaluated: 2021-03-17. Review status: criteria provided, single submitter. Criteria: GeneDx Variant Classification Process June 2021. Collection method: clinical testing. Allele origin: germline. Affected: yes.

PreventionGenetics, part of Exact Sciences
Classification: Likely benign for MYO15A-related condition. Last evaluated: 2020-03-02. Review status: no assertion criteria provided. Collection method: clinical testing. Allele origin: germline. Not counted in ClinVar's aggregate classification.
Comment: This variant is classified as likely benign based on ACMG/AMP sequence variant interpretation guidelines (Richards et al. 2015 PMID: 25741868, with internal and published modifications).

NM_016239.4(MYO15A):c.2354G>T (p.Gly785Val)

Gene: MYO15A (myosin XVA; plus strand). Cytogenetic location: 17p11.2.
Variant type: single nucleotide variant.
Coding change: c.2354G>T on transcript NM_016239.4 (MANE Select); coding-DNA position 2354, G replaced by T.
Protein change: p.Gly785Val; replaces glycine 785 with valine.
Molecular consequence: missense variant.
Genome position (GRCh38, 1-based): chr17:18,121,154, G>T. VCF-style: chr17-18121154-G-T. GRCh37 (hg19) VCF-style: chr17-18024468-G-T.
Other names: short protein forms G785V.
Identifiers: ClinVar variation 1194151 (VCV001194151.15), dbSNP rs368667118, ClinGen allele CA8423254.